The following is an entry in ClinVar:

ClinVar aggregate classification (germline): Uncertain significance (1 of 4 stars; one submission).

Allele frequency attached by ClinVar (database versions not stated): gnomAD exomes 0.00006 and 0.00014; ExAC 0.00011; gnomAD 0.00015 and 0.00016; TOPMed 0.00033; 1000 Genomes Project 0.00060; 1000 Genomes Project 30x 0.00062.
gnomAD v4.1: 116 of 1,602,612 alleles (0.0072%); highest among the groups gnomAD compares: Admixed American, 0.098%; no homozygotes.

Submission:

Labcorp Genetics (formerly Invitae), Labcorp
Classification: Uncertain significance. Last evaluated: 2022-11-01. Review status: criteria provided, single submitter. Criteria: Invitae Variant Classification Sherloc (09022015). Collection method: clinical testing. Allele origin: germline.
Comment: This sequence change replaces isoleucine, which is neutral and non-polar, with valine, which is neutral and non-polar, at codon 236 of the HACD1 protein (p.Ile236Val). This variant is present in population databases (rs200345284, gnomAD 0.08%). This variant has not been reported in the literature in individuals affected with HACD1-related conditions. ClinVar contains an entry for this variant (Variation ID: 1360001). Advanced modeling of protein sequence and biophysical properties (such as structural, functional, and spatial information, amino acid conservation, physicochemical variation, residue mobility, and thermodynamic stability) performed at Invitae indicates that this missense variant is not expected to disrupt HACD1 protein function. Algorithms developed to predict the effect of sequence changes on RNA splicing suggest that this variant may disrupt the consensus splice site. In summary, the available evidence is currently insufficient to determine the role of this variant in disease. Therefore, it has been classified as a Variant of Uncertain Significance.

NM_014241.4(HACD1):c.706A>G (p.Ile236Val)

Gene: HACD1 (3-hydroxyacyl-CoA dehydratase 1; minus strand). Cytogenetic location: 10p12.33.
Variant type: single nucleotide variant.
Coding change: c.706A>G on transcript NM_014241.4 (MANE Select); coding-DNA position 706, A replaced by G.
Protein change: p.Ile236Val; replaces isoleucine 236 with valine.
Molecular consequence: missense variant.
Genome position (GRCh38, 1-based): chr10:17,594,283, T>C on the plus strand (A>G on the coding strand, the complement: HACD1 is on the minus strand). VCF-style: chr10-17594283-T-C. GRCh37 (hg19) VCF-style: chr10-17636282-T-C.
Other names: short protein forms I236V.
Identifiers: ClinVar variation 1360001 (VCV001360001.3), dbSNP rs200345284, ClinGen allele CA5427228.